The following is an entry in ClinVar:

ClinVar aggregate classification (germline): Uncertain significance (1 of 4 stars; one submission).

Conditions:
Encephalopathy, lethal, due to defective mitochondrial peroxisomal fission 1. Identifiers: Orphanet 330050, MedGen C3280660, MONDO:0013726, OMIM 614388.

Allele frequency attached by ClinVar (database versions not stated): TOPMed below 0.00001; gnomAD 0.00001.
gnomAD v4.1: 1 of 1,613,734 alleles (0.000062%); highest among the groups gnomAD compares: Non-Finnish European, 0.000085%; no homozygotes.

Submission:

Neuberg Centre For Genomic Medicine, NCGM
Classification: Uncertain significance for Encephalopathy, lethal, due to defective mitochondrial peroxisomal fission 1. Review status: criteria provided, single submitter. Criteria: ACMG Guidelines, 2015. Collection method: clinical testing. Allele origin: germline. Inheritance: Autosomal dominant inheritance. Affected: yes.
Comment: The missense variant in c.770G>C (p.Ser257Thr) in DNM1L gene has not been reported previously as a pathogenic variant nor as a benign variant, to our knowledge. The p.Ser257Thr variant is novel (not in any individuals) in gnomAD Exomes and 1000 Genomes. This variant has not been reported to the ClinVar database. The amino acid Ser at position 257 is changed to a Thr changing protein sequence and it might alter its composition and physico-chemical properties.The amino acid change p.Ser257Thr in DNM1L is predicted as conserved by GERP++ and PhyloP across 100 vertebrates. For these reasons, this variant has been classified as Uncertain Significance (VUS).

NM_012062.5(DNM1L):c.770G>C (p.Ser257Thr)

Gene: DNM1L (dynamin 1 like; plus strand). Cytogenetic location: 12p11.21.
Variant type: single nucleotide variant.
Coding change: c.770G>C on transcript NM_012062.5 (MANE Select); coding-DNA position 770, G replaced by C.
Protein change: p.Ser257Thr; replaces serine 257 with threonine.
Molecular consequence: missense variant.
Genome position (GRCh38, 1-based): chr12:32,720,693, G>C. VCF-style: chr12-32720693-G-C. GRCh37 (hg19) VCF-style: chr12-32873627-G-C.
Other names: c.770G>C, p.Ser257Thr (NM_001278463.2, NM_005690.5, NM_012063.4); c.809G>C, p.Ser270Thr (NM_001278464.2, NM_001278465.2, NM_001330380.2); c.161G>C, p.Ser54Thr (NM_001278466.2); short protein forms S270T, S54T, S257T.
Identifiers: ClinVar variation 2585623 (VCV002585623.1), dbSNP rs1953763262, ClinGen allele CA384369170.